The following is an entry in ClinVar:

NM_152564.5(VPS13B):c.9331_9332insTTTTTTTTTTTTTTTTTTTTTTTTTTTT (p.Tyr3111fs)

Gene: VPS13B (vacuolar protein sorting 13 homolog B; plus strand). Cytogenetic location: 8q22.2.
Variant type: Insertion.
Coding change: c.9331_9332insTTTTTTTTTTTTTTTTTTTTTTTTTTTT on transcript NM_152564.5 (MANE Select); coding-DNA positions 9331 to 9332, TTTTTTTTTTTTTTTTTTTTTTTTTTTT inserted.
Protein change: p.Tyr3111fs; shifts the reading frame from tyrosine 3111.
Molecular consequence: frameshift variant.
Genome position: GRCh38 VCF-style: chr8-99832368-G-GTTTTTTTTTTTTTTTTTTTTTTTTTTTT. GRCh37 (hg19) VCF-style: chr8-100844596-G-GTTTTTTTTTTTTTTTTTTTTTTTTTTTT.
Other names: c.9406_9407insTTTTTTTTTTTTTTTTTTTTTTTTTTTT, p.Tyr3136fs (NM_017890.5); short protein forms Y3111fs, Y3136fs.
Identifiers: ClinVar variation 4795099 (VCV004795099.1).
Genomic context (GRCh38, chr8:99,832,368, plus strand): 5'-CTGCTGTATTACTGTAGCTAATGTGCTCTCTGCATTTTTTTTTTTTTTTTTTTTTTTTTA[G>GTTTTTTTTTTTTTTTTTTTTTTTTTTTT]TATTTTCGTGTTCCAGACAGTGCTACTTTTAGCATTTGCCCAGGTGGAGAGCAGCCTGCT-3'

ClinVar aggregate classification (germline): Uncertain significance (1 of 4 stars; one submission).

Conditions:
Retinal disorder. Also called: Retinal disorders; Retinopathies; Retinal Diseases; Retinopathy. Identifiers: MedGen C0035309, MONDO:0005283, HP:0000488.

Submission:

Genetics Laboratory, Great Ormond Street Hospital NHS Foundation Trust, North Thames Genomic Laboratory Hub
Classification: Uncertain significance for Retinal disorders. Last evaluated: 2025-12-18. Review status: criteria provided, single submitter. Criteria: ACGS Best Practice Guidelines for Variant Classification in Rare Disease 2024 v1.2. Collection method: clinical testing. Allele origin: germline. Affected: yes.
Comment: PVS1_very-strong